The following is an entry in ClinVar:

ClinVar aggregate classification (germline): Uncertain significance (1 of 4 stars; one submission).

Conditions:
Atypical hemolytic-uremic syndrome. Identifiers: Orphanet 2134, MedGen C2931788, MONDO:0016244.

Submission:

Genomenon, Inc
Classification: Uncertain significance for Atypical hemolytic-uremic syndrome. Last evaluated: 2025-10-02. Review status: criteria provided, single submitter. Criteria: Genomenon Sequence Variant Interpretation Standards - Updated. Collection method: curation. Allele origin: germline. Affected: yes.
Comment: CFH p.Pro1226Gln (c.3677C>A) is a missense variant that changes the amino acid at residue 1226 from Proline to Glutamine. This variant has been observed in at least one proband affected with atypical hemolytic-uremic syndrome (PMID:38317858). It is absent or not present at a significant frequency in gnomAD. In silico models agree that this variant is possibly or probably damaging. In conclusion, we classify CFH p.Pro1226Gln (c.3677C>A) as a variant of uncertain significance.

Literature cited by the submitters: PubMed 38317858.

NM_000186.4(CFH):c.3677C>A (p.Pro1226Gln)

Gene: CFH (complement factor H; plus strand). Cytogenetic location: 1q31.3.
Variant type: single nucleotide variant.
Coding change: c.3677C>A on transcript NM_000186.4 (MANE Select); coding-DNA position 3677, C replaced by A.
Protein change: p.Pro1226Gln; replaces proline 1226 with glutamine.
Molecular consequence: missense variant.
Genome position (GRCh38, 1-based): chr1:196,747,294, C>A. VCF-style: chr1-196747294-C-A. GRCh37 (hg19) VCF-style: chr1-196716424-C-A.
Other names: short protein forms P1226Q.
Identifiers: ClinVar variation 4291643 (VCV004291643.1).
Genomic context (GRCh38, chr1:196,747,294, plus strand): 5'-GTCTTTCATCACGTTCTCACACATTGCGAACAACATGTTGGGATGGGAAACTGGAGTATC[C>A]AACTTGTGCAAAAAGATAGAATCAATCATAAAGTGCACACCTTTATTCAGAACTTTAGTA-3'
Protein context (NP_000177.2, residues 1216-1231): TTCWDGKLEY[Pro1226Gln]TCAKR